The following is an entry in ClinVar:

NM_025099.6(CTC1):c.2437C>T (p.Pro813Ser)

Gene: CTC1 (CST telomere replication complex component 1; minus strand). Cytogenetic location: 17p13.1.
Variant type: single nucleotide variant.
Coding change: c.2437C>T on transcript NM_025099.6 (MANE Select); coding-DNA position 2437, C replaced by T.
Protein change: p.Pro813Ser; replaces proline 813 with serine.
Molecular consequence: missense variant. On other transcripts: non-coding transcript variant (1).
Genome position (GRCh38, 1-based): chr17:8,231,764, G>A on the plus strand (C>T on the coding strand, the complement: CTC1 is on the minus strand). VCF-style: chr17-8231764-G-A. GRCh37 (hg19) VCF-style: chr17-8135082-G-A.
Other names: short protein forms P813S.
Identifiers: ClinVar variation 1500279 (VCV001500279.7), dbSNP rs776324067, ClinGen allele CA8372083.
Genomic context (GRCh38, chr17:8,231,764, plus strand): 5'-TATGATGAAGTAGGACACTCACAGCGGGGCCAGGAGCTATGAGTCGGTACACCTGTCCCG[G>A]GTGCAAGAACTCAAACCAGCGGACTGAAGAGCCAAAGAAAATGAGGTGAACCTGGGAGGA-3'
Protein context (NP_079375.3, residues 803-823): SSVRWFEFLH[Pro813Ser]GQVYRLIAPG

ClinVar aggregate classification (germline): Uncertain significance. Review status: criteria provided, multiple submitters, no conflicts (2 of 4 stars). 2 submissions from 2 submitters: Uncertain significance (2). Last evaluated 2025-06-09.

Conditions:
Dyskeratosis congenita. Identifiers: Orphanet 1775, MedGen C0265965, MONDO:0015780.

Allele frequency attached by ClinVar (database versions not stated): gnomAD exomes below 0.00001 and 0.00001; ExAC 0.00001; gnomAD 0.00001.
gnomAD v4.1: 4 of 1,614,142 alleles (0.00025%); highest among the groups gnomAD compares: Middle Eastern, 0.016%; no homozygotes.

Submissions (2):

Labcorp Genetics (formerly Invitae), Labcorp
Classification: Uncertain significance for Dyskeratosis congenita. Last evaluated: 2025-06-09. Review status: criteria provided, single submitter. Criteria: Invitae Variant Classification Sherloc (09022015). Collection method: clinical testing. Allele origin: germline.
Comment: This sequence change replaces proline, which is neutral and non-polar, with serine, which is neutral and polar, at codon 813 of the CTC1 protein (p.Pro813Ser). This variant is present in population databases (rs776324067, gnomAD 0.002%). This variant has not been reported in the literature in individuals affected with CTC1-related conditions. ClinVar contains an entry for this variant (Variation ID: 1500279). Invitae Evidence Modeling of protein sequence and biophysical properties (such as structural, functional, and spatial information, amino acid conservation, physicochemical variation, residue mobility, and thermodynamic stability) indicates that this missense variant is expected to disrupt CTC1 protein function with a positive predictive value of 80%. In summary, the available evidence is currently insufficient to determine the role of this variant in disease. Therefore, it has been classified as a Variant of Uncertain Significance.

Blueprint Genetics
Classification: Uncertain significance. Last evaluated: 2020-05-06. Review status: criteria provided, single submitter. Criteria: ACMG Guidelines, 2015. Collection method: clinical testing. Allele origin: germline.